The following is an entry in ClinVar:

ClinVar aggregate classification (germline): Uncertain significance (1 of 4 stars; one submission).

Submission:

Labcorp Genetics (formerly Invitae), Labcorp
Classification: Uncertain significance. Last evaluated: 2024-01-08. Review status: criteria provided, single submitter. Criteria: Invitae Variant Classification Sherloc (09022015). Collection method: clinical testing. Allele origin: germline.
Comment: This sequence change replaces glycine, which is neutral and non-polar, with arginine, which is basic and polar, at codon 467 of the ZBTB20 protein (p.Gly467Arg). This variant is not present in population databases (gnomAD no frequency). This variant has not been reported in the literature in individuals affected with ZBTB20-related conditions. Advanced modeling of protein sequence and biophysical properties (such as structural, functional, and spatial information, amino acid conservation, physicochemical variation, residue mobility, and thermodynamic stability) has been performed at Invitae for this missense variant, however the output from this modeling did not meet the statistical confidence thresholds required to predict the impact of this variant on ZBTB20 protein function. In summary, the available evidence is currently insufficient to determine the role of this variant in disease. Therefore, it has been classified as a Variant of Uncertain Significance.

NM_001348800.3(ZBTB20):c.1399G>C (p.Gly467Arg)

Gene: ZBTB20 (zinc finger and BTB domain containing 20; minus strand). Cytogenetic location: 3q13.31.
Variant type: single nucleotide variant.
Coding change: c.1399G>C on transcript NM_001348800.3 (MANE Select); coding-DNA position 1399, G replaced by C.
Protein change: p.Gly467Arg; replaces glycine 467 with arginine.
Molecular consequence: missense variant.
Genome position (GRCh38, 1-based): chr3:114,350,679, C>G on the plus strand (G>C on the coding strand, the complement: ZBTB20 is on the minus strand). VCF-style: chr3-114350679-C-G. GRCh37 (hg19) VCF-style: chr3-114069526-C-G.
Other names: c.1399G>C, p.Gly467Arg (NM_001164342.2, NM_001348803.3, NM_001393393.1 and 1 more transcripts); c.1180G>C, p.Gly394Arg (NM_001164343.2, NM_001164344.4, NM_001164345.4 and 9 more transcripts); short protein forms G467R, G394R.
Identifiers: ClinVar variation 2708366 (VCV002708366.3), dbSNP rs1257059802, ClinGen allele CA354010051.
Genomic context (GRCh38, chr3:114,350,679, plus strand): 5'-GGTTGCTGGTGAGGGTTTCTGTCTGGCGTAAGTAGAGCTGGGTACTTGGCAATGGCTGCC[C>G]GATGGACGTGTTGACCGAAGGCTGTTGTAGGACGCTCTTGTCGGAGCTGTTGCTGACAGT-3'
Protein context (NP_001335729.1, residues 457-477): LQQPSVNTSI[Gly467Arg]QPLPSTQLYL